The following is an entry in ClinVar:

NM_004360.5(CDH1):c.1334A>C (p.Glu445Ala)

Gene: CDH1 (cadherin 1; plus strand). Cytogenetic location: 16q22.1.
Variant type: single nucleotide variant.
Coding change: c.1334A>C on transcript NM_004360.5 (MANE Select); coding-DNA position 1334, A replaced by C.
Protein change: p.Glu445Ala; replaces glutamic acid 445 with alanine.
Molecular consequence: missense variant. On other transcripts: 5 prime UTR variant (2).
Genome position (GRCh38, 1-based): chr16:68,815,528, A>C. VCF-style: chr16-68815528-A-C. GRCh37 (hg19) VCF-style: chr16-68849431-A-C.
Other names: p.E445A:GAG>GCG; c.1334A>C (LRG_301t1); c.1151A>C, p.Glu384Ala (NM_001317184.2); c.-215A>C (NM_001317185.2); c.-486A>C (NM_001317186.2); short protein forms E445A, E384A.
Identifiers: ClinVar variation 127911 (VCV000127911.27), dbSNP rs374398608, ClinGen allele CA288031.

ClinVar aggregate classification (germline): Conflicting classifications of pathogenicity. Review status: criteria provided, conflicting classifications (1 of 4 stars). 7 submissions from 7 submitters: Uncertain significance (4); Likely benign (2). 1 of the submissions does not count toward it. Last evaluated 2026-02-03.

Conditions:
Hereditary cancer-predisposing syndrome. Also called: Tumor predisposition; Hereditary Cancer Syndrome; Neoplastic Syndromes, Hereditary; Hereditary neoplastic syndrome. Identifiers: Orphanet 140162, MedGen C0027672, MeSH D009386, MONDO:0015356.
Hereditary diffuse gastric adenocarcinoma (HDGC). Also called: DIFFUSE GASTRIC AND LOBULAR BREAST CANCER SYNDROME. Identifiers: Orphanet 26106, MedGen C1708349, MONDO:0007648, OMIM 137215.
Familial cancer of breast. Also called: BREAST CANCER, FAMILIAL; Hereditary breast cancer; hereditary breast carcinoma. Identifiers: Orphanet 227535, MedGen C0346153, MONDO:0016419, OMIM 114480. Disease mechanism: loss of function.

Allele frequency attached by ClinVar (database versions not stated): ExAC 0.00001; gnomAD 0.00001; gnomAD exomes 0.00001 and 0.00003; TOPMed 0.00002; ESP Exome Variant Server 0.00008.

Submissions (7):

Labcorp Genetics (formerly Invitae), Labcorp
Classification: Likely benign for Hereditary diffuse gastric adenocarcinoma. Last evaluated: 2026-02-03. Review status: criteria provided, single submitter. Criteria: Invitae Variant Classification Sherloc (09022015). Collection method: clinical testing. Allele origin: germline.

Center for Genomic Medicine, Rigshospitalet, Copenhagen University Hospital
Classification: Uncertain significance. Last evaluated: 2025-12-29. Review status: criteria provided, single submitter. Criteria: ACMG Guidelines, 2015. Collection method: clinical testing. Allele origin: germline.

GeneDx
Classification: Uncertain significance. Last evaluated: 2025-02-11. Review status: criteria provided, single submitter. Criteria: GeneDx Variant Classification Process June 2021. Collection method: clinical testing. Allele origin: germline. Affected: yes.
Comment: Not observed at significant frequency in large population cohorts (gnomAD); Observed in an individual with a personal and family history of prostate cancer (PMID: 24556621); In silico analysis supports that this missense variant has a deleterious effect on protein structure/function; This variant is associated with the following publications: (PMID: 24556621, 15235021, 22850631)

Baylor Genetics
Classification: Uncertain significance for Familial cancer of breast. Last evaluated: 2024-02-13. Review status: criteria provided, single submitter. Criteria: ACMG Guidelines, 2015. Collection method: clinical testing. Allele origin: unknown.

Color Diagnostics, LLC DBA Color Health
Classification: Uncertain significance for Hereditary cancer-predisposing syndrome. Last evaluated: 2023-04-22. Review status: criteria provided, single submitter. Criteria: ACMG Guidelines, 2015. Collection method: clinical testing. Allele origin: germline.
Comment: This missense variant replaces glutamic acid with alanine at codon 445 of the CDH1 protein. To our knowledge, functional studies have not been reported for this variant. This variant has not been reported in individuals affected with CDH1-related disorders in the literature. This variant has been identified in 4/282852 chromosomes in the general population by the Genome Aggregation Database (gnomAD). The available evidence is insufficient to determine the role of this variant in disease conclusively. Therefore, this variant is classified as a Variant of Uncertain Significance.

Ambry Genetics
Classification: Likely benign for Hereditary cancer-predisposing syndrome. Last evaluated: 2020-09-28. Review status: criteria provided, single submitter. Criteria: Ambry Variant Classification Scheme 2023. Collection method: clinical testing. Allele origin: germline.

True Health Diagnostics
Classification: Uncertain significance for Hereditary cancer-predisposing syndrome. Last evaluated: 2017-09-11. Review status: no assertion criteria provided. Collection method: clinical testing. Allele origin: germline. Not counted in ClinVar's aggregate classification.

Literature cited by the submitters: PubMed 24556621 (cited by Ambry Genetics).